The following is an entry in ClinVar:

ClinVar aggregate classification (germline): Uncertain significance (1 of 4 stars; one submission).

Submission:

Labcorp Genetics (formerly Invitae), Labcorp
Classification: Uncertain significance. Last evaluated: 2022-06-05. Review status: criteria provided, single submitter. Criteria: Invitae Variant Classification Sherloc (09022015). Collection method: clinical testing. Allele origin: germline.
Comment: This variant is not present in population databases (gnomAD no frequency). This sequence change replaces glutamine, which is neutral and polar, with lysine, which is basic and polar, at codon 234 of the TSPAN12 protein (p.Gln234Lys). This variant has not been reported in the literature in individuals affected with TSPAN12-related conditions. ClinVar contains an entry for this variant (Variation ID: 1472273). Algorithms developed to predict the effect of missense changes on protein structure and function are either unavailable or do not agree on the potential impact of this missense change (SIFT: "Tolerated"; PolyPhen-2: "Probably Damaging"; Align-GVGD: "Class C0"). In summary, the available evidence is currently insufficient to determine the role of this variant in disease. Therefore, it has been classified as a Variant of Uncertain Significance.

NM_012338.4(TSPAN12):c.700C>A (p.Gln234Lys)

Gene: TSPAN12 (tetraspanin 12; minus strand). Cytogenetic location: 7q31.31.
Variant type: single nucleotide variant.
Coding change: c.700C>A on transcript NM_012338.4 (MANE Select); coding-DNA position 700, C replaced by A.
Protein change: p.Gln234Lys; replaces glutamine 234 with lysine.
Molecular consequence: missense variant.
Genome position (GRCh38, 1-based): chr7:120,788,810, G>T on the plus strand (C>A on the coding strand, the complement: TSPAN12 is on the minus strand). VCF-style: chr7-120788810-G-T. GRCh37 (hg19) VCF-style: chr7-120428864-G-T.
Other names: short protein forms Q234K.
Identifiers: ClinVar variation 1472273 (VCV001472273.6), dbSNP rs2116274241, ClinGen allele CA369133773.